The following is an entry in ClinVar:

ClinVar aggregate classification (germline): Likely pathogenic (1 of 4 stars; one submission).

Conditions:
Dilated cardiomyopathy 1Y (CMD1Y). Identifiers: Orphanet 154, Orphanet 54260, MedGen C2678476, MONDO:0012744, OMIM 611878.
Hypertrophic cardiomyopathy 3. Also called: TPM1-Related Familial Hypertrophic Cardiomyopathy. Identifiers: MedGen C1861863, MONDO:0007267, OMIM 115196.

Submission:

Kariminejad - Najmabadi Pathology & Genetics Center
Classification: Likely pathogenic for Dilated cardiomyopathy 1Y; Hypertrophic cardiomyopathy 3. Last evaluated: 2021-10-18. Review status: criteria provided, single submitter. Criteria: ACMG Guidelines, 2015. Collection method: clinical testing. Allele origin: germline. Inheritance: Autosomal dominant inheritance. Affected: yes.
Comment: PM2, PM1, PP2, PP3, PP4

NM_001018005.2(TPM1):c.476A>C (p.Asp159Ala)

Gene: TPM1 (tropomyosin 1; plus strand). Cytogenetic location: 15q22.2.
Variant type: single nucleotide variant.
Coding change: c.476A>C on transcript NM_001018005.2 (MANE Select); coding-DNA position 476, A replaced by C.
Protein change: p.Asp159Ala; replaces aspartic acid 159 with alanine.
Molecular consequence: missense variant. On other transcripts: non-coding transcript variant (17).
Genome position (GRCh38, 1-based): chr15:63,059,664, A>C. VCF-style: chr15-63059664-A-C. GRCh37 (hg19) VCF-style: chr15-63351863-A-C.
Other names: c.476A>C, p.Asp159Ala (NM_001407338.1, NM_001365776.1, NM_001365777.1 and 20 more transcripts); c.368A>C, p.Asp123Ala (NM_001407340.1, NM_001407342.1, NM_001407344.1 and 9 more transcripts); c.602A>C, p.Asp201Ala (NM_001365778.1, NM_001407322.1, NM_001407323.1 and 1 more transcripts); short protein forms D123A, D159A, D201A.
Identifiers: ClinVar variation 3897044 (VCV003897044.1).